The following is an entry in ClinVar:

ClinVar aggregate classification (germline): Uncertain significance (1 of 4 stars; one submission).

Submission:

GeneDx
Classification: Uncertain significance. Last evaluated: 2024-04-16. Review status: criteria provided, single submitter. Criteria: GeneDx Variant Classification Process June 2021. Collection method: clinical testing. Allele origin: germline. Affected: yes.
Comment: Not observed at significant frequency in large population cohorts (gnomAD); In silico analysis indicates that this missense variant does not alter protein structure/function; Has not been previously published as pathogenic or benign to our knowledge

NM_001940.4(ATN1):c.916G>A (p.Ala306Thr)

Gene: ATN1 (atrophin 1; plus strand). Cytogenetic location: 12p13.31.
Variant type: single nucleotide variant.
Coding change: c.916G>A on transcript NM_001940.4 (MANE Select); coding-DNA position 916, G replaced by A.
Protein change: p.Ala306Thr; replaces alanine 306 with threonine.
Molecular consequence: missense variant.
Genome position (GRCh38, 1-based): chr12:6,936,183, G>A. VCF-style: chr12-6936183-G-A. GRCh37 (hg19) VCF-style: chr12-7045346-G-A.
Other names: c.916G>A, p.Ala306Thr (NM_001007026.2, NM_001424176.1, NM_001424177.1 and 1 more transcripts); c.913G>A, p.Ala305Thr (NM_001424179.1, NM_001424180.1, NM_001424182.1); short protein forms A305T, A306T.
Identifiers: ClinVar variation 3372619 (VCV003372619.1).
Genomic context (GRCh38, chr12:6,936,183, plus strand): 5'-CCTTCTGCTCCACCACCAGCCAACTTCCCCCATGTGACACCGAACCTGCCTCCCCCACCT[G>A]CCCTGAGACCCCTCAACAATGCATCAGCCTCTCCCCCTGGCCTGGGGGCCCAACCACTAC-3'
Protein context (NP_001931.2, residues 296-316): HVTPNLPPPP[Ala306Thr]LRPLNNASAS